The following is an entry in ClinVar:

NM_000368.5(TSC1):c.3365G>A (p.Gly1122Asp)

Gene: TSC1 (TSC complex subunit 1; minus strand). Cytogenetic location: 9q34.13.
Variant type: single nucleotide variant.
Coding change: c.3365G>A on transcript NM_000368.5 (MANE Select); coding-DNA position 3365, G replaced by A.
Protein change: p.Gly1122Asp; replaces glycine 1122 with aspartic acid.
Molecular consequence: missense variant. On other transcripts: non-coding transcript variant (5).
Genome position (GRCh38, 1-based): chr9:132,896,365, C>T on the plus strand (G>A on the coding strand, the complement: TSC1 is on the minus strand). VCF-style: chr9-132896365-C-T. GRCh37 (hg19) VCF-style: chr9-135771752-C-T.
Other names: c.2960G>A, p.Gly987Asp (NM_001406624.1); c.2957G>A, p.Gly986Asp (NM_001406625.1); c.2414G>A, p.Gly805Asp (NM_001406626.1); c.2411G>A, p.Gly804Asp (NM_001406627.1, NM_001406628.1); c.2312G>A, p.Gly771Asp (NM_001406629.1, NM_001406630.1); c.3362G>A, p.Gly1121Asp (NM_001162426.2, NM_001406597.1, NM_001406598.1 and 2 more transcripts); c.3212G>A, p.Gly1071Asp (NM_001162427.2, NM_001406610.1); c.3002G>A, p.Gly1001Asp (NM_001362177.2, NM_001406614.1, NM_001406615.1 and 4 more transcripts); and 8 more; short protein forms G1070D, G804D, G805D, G1107D, G1117D, G771D, G1000D, G1001D.
Identifiers: ClinVar variation 2792971 (VCV002792971.4), dbSNP rs2131591902, ClinGen allele CA375366527.

ClinVar aggregate classification (germline): Uncertain significance. Review status: criteria provided, multiple submitters, no conflicts (2 of 4 stars). 2 submissions from 2 submitters: Uncertain significance (2). Last evaluated 2024-08-17.

Conditions:
Hereditary cancer-predisposing syndrome. Also called: Hereditary neoplastic syndrome; Neoplastic Syndromes, Hereditary; Tumor predisposition; Hereditary Cancer Syndrome. Identifiers: Orphanet 140162, MedGen C0027672, MeSH D009386, MONDO:0015356.
Tuberous sclerosis 1 (TSC1). Identifiers: Orphanet 805, MedGen C1854465, MONDO:0008612, OMIM 191100.

Submissions (2):

Ambry Genetics
Classification: Uncertain significance for Hereditary cancer-predisposing syndrome. Last evaluated: 2024-08-17. Review status: criteria provided, single submitter. Criteria: Ambry Variant Classification Scheme 2023. Collection method: clinical testing. Allele origin: germline.
Comment: The p.G1122D variant (also known as c.3365G>A), located in coding exon 21 of the TSC1 gene, results from a G to A substitution at nucleotide position 3365. The glycine at codon 1122 is replaced by aspartic acid, an amino acid with similar properties. This amino acid position is conserved. In addition, the in silico prediction for this alteration is inconclusive. Based on the available evidence, the clinical significance of this variant remains unclear.

Labcorp Genetics (formerly Invitae), Labcorp
Classification: Uncertain significance for Tuberous sclerosis 1. Last evaluated: 2023-12-13. Review status: criteria provided, single submitter. Criteria: Invitae Variant Classification Sherloc (09022015). Collection method: clinical testing. Allele origin: germline.
Comment: This sequence change replaces glycine, which is neutral and non-polar, with aspartic acid, which is acidic and polar, at codon 1122 of the TSC1 protein (p.Gly1122Asp). This variant is not present in population databases (gnomAD no frequency). This variant has not been reported in the literature in individuals affected with TSC1-related conditions. Advanced modeling of protein sequence and biophysical properties (such as structural, functional, and spatial information, amino acid conservation, physicochemical variation, residue mobility, and thermodynamic stability) performed at Invitae indicates that this missense variant is not expected to disrupt TSC1 protein function with a negative predictive value of 95%. In summary, the available evidence is currently insufficient to determine the role of this variant in disease. Therefore, it has been classified as a Variant of Uncertain Significance.